The following is an entry in ClinVar:

ClinVar aggregate classification (germline): Uncertain significance (1 of 4 stars; one submission).

Conditions:
Brugada syndrome. Also called: Sudden unexpected nocturnal death syndrome; Sudden Unexplained Death Syndrome; Sudden Unexplained Nocturnal Death Syndrome (SUNDS); Sudden unexplained nocturnal death syndrome. Identifiers: Orphanet 130, MedGen C1142166, MONDO:0015263.

Submission:

Labcorp Genetics (formerly Invitae), Labcorp
Classification: Uncertain significance for Brugada syndrome. Last evaluated: 2025-11-12. Review status: criteria provided, single submitter. Criteria: Invitae Variant Classification Sherloc (09022015). Collection method: clinical testing. Allele origin: germline.
Comment: This sequence change replaces phenylalanine, which is neutral and non-polar, with tyrosine, which is neutral and polar, at codon 66 of the SCN10A protein (p.Phe66Tyr). This variant is not present in population databases (gnomAD no frequency). This variant has not been reported in the literature in individuals affected with SCN10A-related conditions. Invitae Evidence Modeling of protein sequence and biophysical properties (such as structural, functional, and spatial information, amino acid conservation, physicochemical variation, residue mobility, and thermodynamic stability) indicates that this missense variant is not expected to disrupt SCN10A protein function with a negative predictive value of 80%. In summary, the available evidence is currently insufficient to determine the role of this variant in disease. Therefore, it has been classified as a Variant of Uncertain Significance.

NM_006514.4(SCN10A):c.197T>A (p.Phe66Tyr)

Gene: SCN10A (sodium voltage-gated channel alpha subunit 10; minus strand). Cytogenetic location: 3p22.2.
Variant type: single nucleotide variant.
Coding change: c.197T>A on transcript NM_006514.4 (MANE Select); coding-DNA position 197, T replaced by A.
Protein change: p.Phe66Tyr; replaces phenylalanine 66 with tyrosine.
Molecular consequence: missense variant.
Genome position (GRCh38, 1-based): chr3:38,793,814, A>T on the plus strand (T>A on the coding strand, the complement: SCN10A is on the minus strand). VCF-style: chr3-38793814-A-T. GRCh37 (hg19) VCF-style: chr3-38835305-A-T.
Other names: c.197T>A, p.Phe66Tyr (NM_001293306.2, NM_001293307.2); short protein forms F66Y.
Identifiers: ClinVar variation 4702284 (VCV004702284.1).